The following is an entry in ClinVar:

ClinVar aggregate classification (germline): Uncertain significance. Review status: criteria provided, multiple submitters, no conflicts (2 of 4 stars). 2 submissions from 2 submitters: Uncertain significance (2). Last evaluated 2024-07-25.

gnomAD v4.1: 2 of 1,614,152 alleles (0.00012%); highest among the groups gnomAD compares: Non-Finnish European, 0.00017%; no homozygotes.

Submissions (2):

Labcorp Genetics (formerly Invitae), Labcorp
Classification: Uncertain significance. Last evaluated: 2024-07-25. Review status: criteria provided, single submitter. Criteria: Invitae Variant Classification Sherloc (09022015). Collection method: clinical testing. Allele origin: germline.
Comment: This sequence change replaces cysteine, which is neutral and slightly polar, with tryptophan, which is neutral and slightly polar, at codon 350 of the PITPNM3 protein (p.Cys350Trp). This variant is not present in population databases (gnomAD no frequency). This variant has not been reported in the literature in individuals affected with PITPNM3-related conditions. Advanced modeling of protein sequence and biophysical properties (such as structural, functional, and spatial information, amino acid conservation, physicochemical variation, residue mobility, and thermodynamic stability) performed at Invitae indicates that this missense variant is not expected to disrupt PITPNM3 protein function with a negative predictive value of 80%. In summary, the available evidence is currently insufficient to determine the role of this variant in disease. Therefore, it has been classified as a Variant of Uncertain Significance.

Blueprint Genetics
Classification: Uncertain significance. Last evaluated: 2023-10-13. Review status: criteria provided, single submitter. Criteria: ACMG Guidelines, 2015. Collection method: clinical testing. Allele origin: germline.

NM_031220.4(PITPNM3):c.1050C>G (p.Cys350Trp)

Gene: PITPNM3 (PITPNM family member 3; minus strand). Cytogenetic location: 17p13.2.
Variant type: single nucleotide variant.
Coding change: c.1050C>G on transcript NM_031220.4 (MANE Select); coding-DNA position 1050, C replaced by G.
Protein change: p.Cys350Trp; replaces cysteine 350 with tryptophan.
Molecular consequence: missense variant.
Genome position (GRCh38, 1-based): chr17:6,477,064, G>C on the plus strand (C>G on the coding strand, the complement: PITPNM3 is on the minus strand). VCF-style: chr17-6477064-G-C. GRCh37 (hg19) VCF-style: chr17-6380384-G-C.
Other names: c.942C>G, p.Cys314Trp (NM_001165966.2); short protein forms C314W, C350W.
Identifiers: ClinVar variation 3660593 (VCV003660593.3).